The following is an entry in ClinVar:

ClinVar aggregate classification (germline): Pathogenic (1 of 4 stars; one submission).

Submission:

Athena Diagnostics
Classification: Pathogenic. Last evaluated: 2022-07-13. Review status: criteria provided, single submitter. Criteria: Athena Diagnostics Criteria. Collection method: clinical testing. Allele origin: unknown.
Comment: This variant is expected to result in the loss of a functional protein. This variant has not been reported in large, multi-ethnic general populations. This variant has been identified in at least one individual tested at Athena Diagnostics with clinical features associated with this gene.

NM_001165963.4(SCN1A):c.4838_4843delinsCAAAATGGTAGGTTGTCTTACCTA (p.Ile1613_Ser1615delinsThrLysTrpTer)

Genes: SCN1A (sodium voltage-gated channel alpha subunit 1; minus strand), LOC102724058 (uncharacterized LOC102724058; plus strand). Cytogenetic location: 2q24.3.
Variant type: Indel.
Coding change: c.4838_4843delinsCAAAATGGTAGGTTGTCTTACCTA on transcript NM_001165963.4 (MANE Select); coding-DNA positions 4838 to 4843, TTCTCT replaced by CAAAATGGTAGGTTGTCTTACCTA.
Protein change: p.Ile1613_Ser1615delinsThrLysTrpTer.
Molecular consequence: nonsense. On other transcripts: non-coding transcript variant (1).
Genome position (GRCh38, 1-based): chr2:165,994,155-165,994,160, AGAGAA replaced by TAGGTAAGACAACCTACCATTTTG on the plus strand (TTCTCT replaced by CAAAATGGTAGGTTGTCTTACCTA on the coding strand, the reverse complement: SCN1A is on the minus strand). VCF-style: chr2-165994155-AGAGAA-TAGGTAAGACAACCTACCATTTTG. GRCh37 (hg19) VCF-style: chr2-166850665-AGAGAA-TAGGTAAGACAACCTACCATTTTG.
Other names: c.4754_4759delinsCAAAATGGTAGGTTGTCTTACCTA, p.Ile1585_Ser1587delinsThrLysTrpTer (NM_001165964.3, NM_001353957.2, NM_001353958.2); c.4838_4843delinsCAAAATGGTAGGTTGTCTTACCTA, p.Ile1613_Ser1615delinsThrLysTrpTer (NM_001202435.3, NM_001353948.2); c.4805_4810delinsCAAAATGGTAGGTTGTCTTACCTA, p.Ile1602_Ser1604delinsThrLysTrpTer (NM_001353949.2, NM_001353950.2, NM_001353951.2 and 2 more transcripts); c.4802_4807delinsCAAAATGGTAGGTTGTCTTACCTA, p.Ile1601_Ser1603delinsThrLysTrpTer (NM_001353954.2, NM_001353955.2); c.4751_4756delinsCAAAATGGTAGGTTGTCTTACCTA, p.Ile1584_Ser1586delinsThrLysTrpTer (NM_001353960.2); c.2396_2401delinsCAAAATGGTAGGTTGTCTTACCTA, p.Ile799_Ser801delinsThrLysTrpTer (NM_001353961.2).
Identifiers: ClinVar variation 1807485 (VCV001807485.1), dbSNP rs2468357555, ClinGen allele CA2580064276.